The following is an entry in ClinVar:

ClinVar aggregate classification (germline): Uncertain significance (1 of 4 stars; one submission).

gnomAD v4.1: 6 of 1,613,976 alleles (0.00037%); highest among the groups gnomAD compares: Non-Finnish European, 0.00051%; no homozygotes.

Submission:

Labcorp Genetics (formerly Invitae), Labcorp
Classification: Uncertain significance. Last evaluated: 2025-05-11. Review status: criteria provided, single submitter. Criteria: Invitae Variant Classification Sherloc (09022015). Collection method: clinical testing. Allele origin: germline.
Comment: This sequence change replaces histidine, which is basic and polar, with glutamine, which is neutral and polar, at codon 352 of the DUOX2 protein (p.His352Gln). This variant is not present in population databases (gnomAD no frequency). This variant has not been reported in the literature in individuals affected with DUOX2-related conditions. Invitae Evidence Modeling of protein sequence and biophysical properties (such as structural, functional, and spatial information, amino acid conservation, physicochemical variation, residue mobility, and thermodynamic stability) indicates that this missense variant is not expected to disrupt DUOX2 protein function with a negative predictive value of 80%. In summary, the available evidence is currently insufficient to determine the role of this variant in disease. Therefore, it has been classified as a Variant of Uncertain Significance.

NM_001363711.2(DUOX2):c.1056T>G (p.His352Gln)

Gene: DUOX2 (dual oxidase 2; minus strand). Cytogenetic location: 15q21.1.
Variant type: single nucleotide variant.
Coding change: c.1056T>G on transcript NM_001363711.2 (MANE Select); coding-DNA position 1056, T replaced by G.
Protein change: p.His352Gln; replaces histidine 352 with glutamine.
Molecular consequence: missense variant.
Genome position (GRCh38, 1-based): chr15:45,109,965, A>C on the plus strand (T>G on the coding strand, the complement: DUOX2 is on the minus strand). VCF-style: chr15-45109965-A-C. GRCh37 (hg19) VCF-style: chr15-45402163-A-C.
Other names: c.1056T>G, p.His352Gln (NM_014080.5); short protein forms H352Q.
Identifiers: ClinVar variation 4760448 (VCV004760448.1).